The following is an entry in ClinVar:

ClinVar aggregate classification (germline): Uncertain significance. Review status: criteria provided, multiple submitters, no conflicts (2 of 4 stars). 7 submissions from 7 submitters: Uncertain significance (7). Last evaluated 2026-02-17.

Conditions:
Inborn genetic diseases. Identifiers: MedGen C0950123, MeSH D030342.
Spondyloepimetaphyseal dysplasia with joint laxity (SEMDJL). Identifiers: MedGen C0432243, MONDO:0019675.
Ehlers-Danlos syndrome, spondylodysplastic type, 2 (EDSSPD2). Also called: Ehlers-Danlos syndrome, progeroid type, 2. Identifiers: Orphanet 536467, Orphanet 75496, MedGen C3809210, MONDO:0014139, OMIM 615349.

Allele frequency attached by ClinVar (database versions not stated): gnomAD exomes 0.00002; ExAC 0.00004; gnomAD 0.00004 and 0.00005; TOPMed 0.00004.

Submissions (7):

Women's Health and Genetics/Laboratory Corporation of America, LabCorp
Classification: Uncertain significance. Last evaluated: 2026-02-17. Review status: criteria provided, single submitter. Criteria: LabCorp Variant Classification Summary - May 2015. Collection method: clinical testing. Allele origin: germline.
Comment: Variant summary: B3GALT6 c.676C>T (p.His226Tyr) results in a conservative amino acid change in the encoded protein sequence. Algorithms developed to predict the effect of missense changes on protein structure and function are either unavailable or do not agree on the potential impact of this missense change. The variant allele was found at a frequency of 2.3e-05 in 171700 control chromosomes. The available data on variant occurrences in the general population are insufficient to allow any conclusion about variant significance. To our knowledge, no occurrence of c.676C>T in individuals affected with B3GALT6-related conditions and no experimental evidence demonstrating its impact on protein function have been reported. ClinVar contains an entry for this variant (Variation ID: 806029). Based on the evidence outlined above, the variant was classified as uncertain significance.

Mayo Clinic Laboratories, Mayo Clinic
Classification: Uncertain significance. Last evaluated: 2025-11-08. Review status: criteria provided, single submitter. Criteria: ACMG Guidelines, 2015. Collection method: clinical testing. Allele origin: germline. Observed: 1 variant allele.
Comment: BP4_moderate

Ambry Genetics
Classification: Uncertain significance for Inborn genetic diseases. Last evaluated: 2025-04-09. Review status: criteria provided, single submitter. Criteria: Ambry Variant Classification Scheme 2023. Collection method: clinical testing. Allele origin: germline.

GeneDx
Classification: Uncertain significance. Last evaluated: 2024-11-26. Review status: criteria provided, single submitter. Criteria: GeneDx Variant Classification Process June 2021. Collection method: clinical testing. Allele origin: germline.
Comment: Has not been previously published as pathogenic or benign to our knowledge; Not observed at significant frequency in large population cohorts (gnomAD); In silico analysis supports that this missense variant has a deleterious effect on protein structure/function

Blueprint Genetics
Classification: Uncertain significance. Last evaluated: 2023-02-03. Review status: criteria provided, single submitter. Criteria: ACMG Guidelines, 2015. Collection method: clinical testing. Allele origin: germline.

Labcorp Genetics (formerly Invitae), Labcorp
Classification: Uncertain significance for Ehlers-Danlos syndrome, spondylodysplastic type, 2; Spondyloepimetaphyseal dysplasia with joint laxity. Last evaluated: 2022-07-26. Review status: criteria provided, single submitter. Criteria: Invitae Variant Classification Sherloc (09022015). Collection method: clinical testing. Allele origin: germline.
Comment: This sequence change replaces histidine, which is basic and polar, with tyrosine, which is neutral and polar, at codon 226 of the B3GALT6 protein (p.His226Tyr). This variant is present in population databases (rs746174922, gnomAD 0.003%). This variant has not been reported in the literature in individuals affected with B3GALT6-related conditions. ClinVar contains an entry for this variant (Variation ID: 806029). Algorithms developed to predict the effect of missense changes on protein structure and function are either unavailable or do not agree on the potential impact of this missense change (SIFT: "Tolerated"; PolyPhen-2: "Possibly Damaging"; Align-GVGD: "Class C0"). In summary, the available evidence is currently insufficient to determine the role of this variant in disease. Therefore, it has been classified as a Variant of Uncertain Significance.

CeGaT Center for Human Genetics Tuebingen
Classification: Uncertain significance. Last evaluated: 2017-10-01. Review status: criteria provided, single submitter. Criteria: CeGaT Center For Human Genetics Tuebingen Variant Classification Criteria Version 2. Collection method: clinical testing. Allele origin: germline. Affected: yes. Observed: 1 variant allele.

NM_080605.4(B3GALT6):c.676C>T (p.His226Tyr)

Gene: B3GALT6 (beta-1,3-galactosyltransferase 6; plus strand). Cytogenetic location: 1p36.33.
Variant type: single nucleotide variant.
Coding change: c.676C>T on transcript NM_080605.4 (MANE Select); coding-DNA position 676, C replaced by T.
Protein change: p.His226Tyr; replaces histidine 226 with tyrosine.
Molecular consequence: missense variant.
Genome position (GRCh38, 1-based): chr1:1,232,954, C>T. VCF-style: chr1-1232954-C-T. GRCh37 (hg19) VCF-style: chr1-1168334-C-T.
Other names: p.His226Tyr; c.676C>T (NM_080605.3); short protein forms H226Y.
Identifiers: ClinVar variation 806029 (VCV000806029.48), dbSNP rs746174922, ClinGen allele CA513420.